The following is an entry in ClinVar:

NM_014491.4(FOXP2):c.52A>G (p.Asn18Asp)

Gene: FOXP2 (forkhead box P2; plus strand). Cytogenetic location: 7q31.1.
Variant type: single nucleotide variant.
Coding change: c.52A>G on transcript NM_014491.4 (MANE Select); coding-DNA position 52, A replaced by G.
Protein change: p.Asn18Asp; replaces asparagine 18 with aspartic acid.
Molecular consequence: missense variant. On other transcripts: non-coding transcript variant (2).
Genome position (GRCh38, 1-based): chr7:114,426,563, A>G. VCF-style: chr7-114426563-A-G. GRCh37 (hg19) VCF-style: chr7-114066618-A-G.
Other names: c.52A>G, p.Asn18Asp (NM_001172766.3, NM_001172767.2, NM_148898.4 and 2 more transcripts); short protein forms N18D.
Identifiers: ClinVar variation 358601 (VCV000358601.10), dbSNP rs763263115, ClinGen allele CA4445644.

ClinVar aggregate classification (germline): Conflicting classifications of pathogenicity. Review status: criteria provided, conflicting classifications (1 of 4 stars). 3 submissions from 3 submitters: Uncertain significance (2); Likely benign (1). Last evaluated 2026-01-01.

Conditions:
Childhood apraxia of speech (SPCH1). Also called: Speech language disorder; DEVELOPMENTAL VERBAL DYSPRAXIA; SPEECH AND LANGUAGE DISORDER WITH OROFACIAL DYSPRAXIA; FOXP2-Related Speech and Language Disorder. Identifiers: Orphanet 209908, MedGen C0750927, MONDO:0011184, OMIM 602081.
Inborn genetic diseases. Identifiers: MedGen C0950123, MeSH D030342.

Allele frequency attached by ClinVar (database versions not stated): ExAC 0.00001; gnomAD 0.00001 and 0.00002; gnomAD exomes 0.00001; TOPMed 0.00002.
gnomAD v4.1: 24 of 1,611,430 alleles (0.0015%); highest among the groups gnomAD compares: Non-Finnish European, 0.0019%; no homozygotes.

Submissions (3):

CeGaT Center for Human Genetics Tuebingen
Classification: Likely benign. Last evaluated: 2026-01-01. Review status: criteria provided, single submitter. Criteria: CeGaT Center For Human Genetics Tuebingen Variant Classification Criteria Version 2. Collection method: clinical testing. Allele origin: germline. Affected: yes. Observed: 1 variant allele.
Comment: FOXP2: PP3, BS1

Ambry Genetics
Classification: Uncertain significance for Inborn genetic diseases. Last evaluated: 2024-01-08. Review status: criteria provided, single submitter. Criteria: Ambry Variant Classification Scheme 2023. Collection method: clinical testing. Allele origin: germline.

Illumina Laboratory Services, Illumina
Classification: Uncertain significance for Childhood apraxia of speech. Last evaluated: 2018-01-13. Review status: criteria provided, single submitter. Criteria: ICSL Variant Classification Criteria 13 December 2019. Collection method: clinical testing. Allele origin: germline.